The following is an entry in ClinVar:

NM_020774.4(MIB1):c.386C>T (p.Thr129Ile)

Gene: MIB1 (MIB E3 ubiquitin protein ligase 1; plus strand). Cytogenetic location: 18q11.2.
Variant type: single nucleotide variant.
Coding change: c.386C>T on transcript NM_020774.4 (MANE Select); coding-DNA position 386, C replaced by T.
Protein change: p.Thr129Ile; replaces threonine 129 with isoleucine.
Molecular consequence: missense variant.
Genome position (GRCh38, 1-based): chr18:21,765,928, C>T. VCF-style: chr18-21765928-C-T. GRCh37 (hg19) VCF-style: chr18-19345889-C-T.
Other names: short protein forms T129I.
Identifiers: ClinVar variation 4107604 (VCV004107604.1).
Genomic context (GRCh38, chr18:21,765,928, plus strand): 5'-GCACAGTGTGTTATCATGGAGATAAACATCATTTAAGACATCGCTTTTACCGAATTACTA[C>T]ACCGGGAAGTGAGAGGTAGGGAGAACCCTTTTCTTCTTCAACCGAGGGTTTTTGTTTGTA-3'
Protein context (NP_065825.1, residues 119-139): HLRHRFYRIT[Thr129Ile]PGSERVLLES

ClinVar aggregate classification (germline): Uncertain significance (1 of 4 stars; one submission).

Conditions:
Inborn genetic diseases. Identifiers: MedGen C0950123, MeSH D030342.

gnomAD v4.1: 16 of 1,614,026 alleles (0.00099%); highest among the groups gnomAD compares: Non-Finnish European, 0.0012%; no homozygotes.

Submission:

Ambry Genetics
Classification: Uncertain significance for Inborn genetic diseases. Last evaluated: 2025-08-30. Review status: criteria provided, single submitter. Criteria: Ambry Variant Classification Scheme 2023. Collection method: clinical testing. Allele origin: germline.
Comment: The p.T129I variant (also known as c.386C>T), located in coding exon 2 of the MIB1 gene, results from a C to T substitution at nucleotide position 386. The threonine at codon 129 is replaced by isoleucine, an amino acid with similar properties. This amino acid position is conserved. In addition, this alteration is predicted to be deleterious by in silico analysis. Based on the available evidence, the clinical significance of this variant remains unclear.